The following is an entry in ClinVar:

ClinVar aggregate classification (germline): Uncertain significance (1 of 4 stars; one submission).

Conditions:
Dyskeratosis congenita. Identifiers: Orphanet 1775, MedGen C0265965, MONDO:0015780.

Allele frequency attached by ClinVar (database versions not stated): TOPMed below 0.00001; gnomAD 0.00001; gnomAD exomes 0.00001; ExAC 0.00002.
gnomAD v4.1: 5 of 1,614,068 alleles (0.00031%); highest among the groups gnomAD compares: Admixed American, 0.005%; no homozygotes.

Submission:

Labcorp Genetics (formerly Invitae), Labcorp
Classification: Uncertain significance for Dyskeratosis congenita. Last evaluated: 2022-01-16. Review status: criteria provided, single submitter. Criteria: Invitae Variant Classification Sherloc (09022015). Collection method: clinical testing. Allele origin: germline.
Comment: In summary, the available evidence is currently insufficient to determine the role of this variant in disease. Therefore, it has been classified as a Variant of Uncertain Significance. Algorithms developed to predict the effect of missense changes on protein structure and function output the following: SIFT: "Tolerated"; PolyPhen-2: "Probably Damaging"; Align-GVGD: "Class C0". The arginine amino acid residue is found in multiple mammalian species, which suggests that this missense change does not adversely affect protein function. ClinVar contains an entry for this variant (Variation ID: 1023969). This variant has not been reported in the literature in individuals affected with TINF2-related conditions. This variant is present in population databases (rs766671951, gnomAD 0.006%). This sequence change replaces glycine, which is neutral and non-polar, with arginine, which is basic and polar, at codon 25 of the TINF2 protein (p.Gly25Arg).

NM_001099274.3(TINF2):c.73G>C (p.Gly25Arg)

Genes: TINF2 (TERF1 interacting nuclear factor 2; minus strand), LOC130055403 (ATAC-STARR-seq lymphoblastoid active region 8199; plus strand). Cytogenetic location: 14q12.
Variant type: single nucleotide variant.
Coding change: c.73G>C on transcript NM_001099274.3 (MANE Select); coding-DNA position 73, G replaced by C.
Protein change: p.Gly25Arg; replaces glycine 25 with arginine.
Molecular consequence: missense variant.
Genome position (GRCh38, 1-based): chr14:24,242,260, C>G on the plus strand (G>C on the coding strand, the complement: TINF2 is on the minus strand). VCF-style: chr14-24242260-C-G. GRCh37 (hg19) VCF-style: chr14-24711466-C-G.
Other names: c.73G>C, p.Gly25Arg (NM_001363668.2, NM_012461.3); short protein forms G25R.
Identifiers: ClinVar variation 1023969 (VCV001023969.7), dbSNP rs766671951, ClinGen allele CA7130761.